The following is an entry in ClinVar:

ClinVar aggregate classification (germline): Uncertain significance. Review status: criteria provided, multiple submitters, no conflicts (2 of 4 stars). 2 submissions from 2 submitters: Uncertain significance (2). Last evaluated 2025-11-11.

Conditions:
CHARGE syndrome (CHARGE). Also called: Hittner Hirsch Kreh syndrome; CHARGE ASSOCIATION--COLOBOMA, HEART ANOMALY, CHOANAL ATRESIA, RETARDATION, GENITAL AND EAR ANOMALIES; Coloboma, heart anomaly, choanal atresia, retardation, genital and ear anomalies; CHARGE association; Hall-Hittner syndrome. Identifiers: Orphanet 138, MedGen C0265354, MONDO:0008965.

gnomAD v4.1: 4 of 1,614,096 alleles (0.00025%); highest among the groups gnomAD compares: Non-Finnish European, 0.00034%; no homozygotes.

Submissions (2):

Ambry Genetics
Classification: Uncertain significance. Last evaluated: 2025-11-11. Review status: criteria provided, single submitter. Criteria: Ambry Variant Classification Scheme 2023. Collection method: clinical testing. Allele origin: germline.

Labcorp Genetics (formerly Invitae), Labcorp
Classification: Uncertain significance for CHARGE syndrome. Last evaluated: 2025-08-10. Review status: criteria provided, single submitter. Criteria: Invitae Variant Classification Sherloc (09022015). Collection method: clinical testing. Allele origin: germline.
Comment: This sequence change replaces arginine, which is basic and polar, with glycine, which is neutral and non-polar, at codon 760 of the SEMA3E protein (p.Arg760Gly). This variant is not present in population databases (gnomAD no frequency). This variant has not been reported in the literature in individuals affected with SEMA3E-related conditions. An algorithm developed to predict the effect of missense changes on protein structure and function (PolyPhen-2) suggests that this variant is likely to be tolerated. In summary, the available evidence is currently insufficient to determine the role of this variant in disease. Therefore, it has been classified as a Variant of Uncertain Significance.

NM_012431.3(SEMA3E):c.2278C>G (p.Arg760Gly)

Gene: SEMA3E (semaphorin 3E; minus strand). Cytogenetic location: 7q21.11.
Variant type: single nucleotide variant.
Coding change: c.2278C>G on transcript NM_012431.3 (MANE Select); coding-DNA position 2278, C replaced by G.
Protein change: p.Arg760Gly; replaces arginine 760 with glycine.
Molecular consequence: missense variant.
Genome position (GRCh38, 1-based): chr7:83,367,636, G>C on the plus strand (C>G on the coding strand, the complement: SEMA3E is on the minus strand). VCF-style: chr7-83367636-G-C. GRCh37 (hg19) VCF-style: chr7-82996952-G-C.
Other names: c.2098C>G, p.Arg700Gly (NM_001178129.2); short protein forms R700G, R760G.
Identifiers: ClinVar variation 4582158 (VCV004582158.2).